The following is an entry in ClinVar:

NM_001393797.1(ABCC12):c.591G>T (p.Ala197=)

Gene: ABCC12 (ATP binding cassette subfamily C member 12; minus strand). Cytogenetic location: 16q12.1.
Variant type: single nucleotide variant.
Coding change: c.591G>T on transcript NM_001393797.1 (MANE Select); coding-DNA position 591, G replaced by T.
Protein change: p.Ala197=; no amino-acid change (alanine 197 retained).
Molecular consequence: synonymous variant. On other transcripts: non-coding transcript variant (6).
Genome position (GRCh38, 1-based): chr16:48,140,753, C>A on the plus strand (G>T on the coding strand, the complement: ABCC12 is on the minus strand). VCF-style: chr16-48140753-C-A. GRCh37 (hg19) VCF-style: chr16-48174664-C-A.
Other names: c.591G>T, p.Ala197= (NM_001392028.1, NM_033226.3).
Identifiers: ClinVar variation 4988485 (VCV004988485.1).

ClinVar aggregate classification (germline): Likely benign (1 of 4 stars; one submission).

Conditions:
ABCC12-related condition.

gnomAD v4.1: 65 of 1,614,168 alleles (0.004%); highest among the groups gnomAD compares: Admixed American, 0.0083%; 1 homozygote.

Submission:

PreventionGenetics, part of Exact Sciences
Classification: Likely benign for ABCC12-related condition. Last evaluated: 2026-09-07. Review status: criteria provided, single submitter. Criteria: ACMG Guidelines, 2015. Collection method: clinical testing. Allele origin: germline.
Comment: This variant is classified as likely benign based on ACMG/AMP sequence variant interpretation guidelines (Richards et al. 2015 PMID: 25741868, with internal and published modifications).